The following is an entry in ClinVar:

NM_024589.3(ROGDI):c.766G>A (p.Asp256Asn)

Gene: ROGDI (rogdi atypical leucine zipper; minus strand). Cytogenetic location: 16p13.3.
Variant type: single nucleotide variant.
Coding change: c.766G>A on transcript NM_024589.3 (MANE Select); coding-DNA position 766, G replaced by A.
Protein change: p.Asp256Asn; replaces aspartic acid 256 with asparagine.
Molecular consequence: missense variant. On other transcripts: non-coding transcript variant (1).
Genome position (GRCh38, 1-based): chr16:4,797,770, C>T on the plus strand (G>A on the coding strand, the complement: ROGDI is on the minus strand). VCF-style: chr16-4797770-C-T. GRCh37 (hg19) VCF-style: chr16-4847771-C-T.
Other names: short protein forms D256N.
Identifiers: ClinVar variation 567530 (VCV000567530.9), dbSNP rs1161402172, ClinGen allele CA394648665.

ClinVar aggregate classification (germline): Uncertain significance (1 of 4 stars; one submission).

Conditions:
Amelocerebrohypohidrotic syndrome (KTZS). Also called: Kohlschutter's syndrome; KOHLSCHUTTER SYNDROME; EPILEPSY AND YELLOW TEETH; EPILEPSY, DEMENTIA, AND AMELOGENESIS IMPERFECTA. Identifiers: Orphanet 1946, MedGen C0406740, MONDO:0009185, OMIM 226750.

Allele frequency attached by ClinVar (database versions not stated): gnomAD 0.00001; gnomAD exomes below 0.00001; TOPMed 0.00002.

Submission:

Labcorp Genetics (formerly Invitae), Labcorp
Classification: Uncertain significance for Amelocerebrohypohidrotic syndrome. Last evaluated: 2023-10-03. Review status: criteria provided, single submitter. Criteria: Invitae Variant Classification Sherloc (09022015). Collection method: clinical testing. Allele origin: germline.
Comment: This sequence change replaces aspartic acid, which is acidic and polar, with asparagine, which is neutral and polar, at codon 256 of the ROGDI protein (p.Asp256Asn). This variant is present in population databases (no rsID available, gnomAD 0.01%). This variant has not been reported in the literature in individuals affected with ROGDI-related conditions. ClinVar contains an entry for this variant (Variation ID: 567530). An algorithm developed to predict the effect of missense changes on protein structure and function (PolyPhen-2) suggests that this variant is likely to be disruptive. In summary, the available evidence is currently insufficient to determine the role of this variant in disease. Therefore, it has been classified as a Variant of Uncertain Significance.